The following is an entry in ClinVar:

ClinVar aggregate classification (germline): Pathogenic/Likely pathogenic. Review status: criteria provided, multiple submitters, no conflicts (2 of 4 stars). 4 submissions from 4 submitters: Pathogenic (1); Likely pathogenic (3). Last evaluated 2025-03-22.

Conditions:
Joubert syndrome. Also called: JOUBERT-BOLTSHAUSER SYNDROME; Familial aplasia of the vermis. Identifiers: Orphanet 475, MedGen C5979921, MONDO:0018772.
COACH syndrome 3. Identifiers: MedGen C5436841, MONDO:0030862, OMIM 619113.
Joubert syndrome 7 (JBTS7). Identifiers: Orphanet 220497, MedGen C1969053, MONDO:0012694, OMIM 611560.
Meckel syndrome, type 5 (MKS5). Identifiers: Orphanet 564, MedGen C1969052, MONDO:0012695, OMIM 611561.
RPGRIP1L-related disorder. Also called: RPGRIP1L-related disorders; RPGRIP1L-related condition. Identifiers: MedGen CN239416.
Meckel-Gruber syndrome. Also called: DYSENCEPHALIA SPLANCHNOCYSTICA; GRUBER SYNDROME; Dysencephalia splachnocystica. Identifiers: Orphanet 564, MedGen C0265215, MONDO:0018921.

Submissions (4):

Natera, Inc.
Classification: Likely pathogenic for Joubert syndrome. Last evaluated: 2025-03-22. Review status: criteria provided, single submitter. Criteria: Natera Variant Classification Schema (03/2026). Collection method: clinical testing. Allele origin: germline.
Comment: The c.986_987delAA variant in RPGRIP1L is a frameshift variant predicted to shift the reading frame beginning at codon 329 and leads to a stop codon 9 codons downstream. This variant is expected to result in nonsense mediated decay, truncation, or a dysfunctional protein product. This variant is rare in the general population with a frequency below the threshold expected for the associated phenotype(s). Given the available evidence, this variant is classified as Likely Pathogenic.

Fulgent Genetics
Classification: Likely pathogenic for Joubert syndrome 7; Meckel syndrome, type 5; COACH syndrome 3. Last evaluated: 2024-03-22. Review status: criteria provided, single submitter. Criteria: ACMG Guidelines, 2015. Collection method: clinical testing. Allele origin: germline.

Labcorp Genetics (formerly Invitae), Labcorp
Classification: Pathogenic for Joubert syndrome; Meckel-Gruber syndrome. Last evaluated: 2023-01-20. Review status: criteria provided, single submitter. Criteria: Invitae Variant Classification Sherloc (09022015). Collection method: clinical testing. Allele origin: germline.
Comment: This sequence change creates a premature translational stop signal (p.Lys329Thrfs*9) in the RPGRIP1L gene. It is expected to result in an absent or disrupted protein product. Loss-of-function variants in RPGRIP1L are known to be pathogenic (PMID: 17558409). This variant is present in population databases (no rsID available, gnomAD 0.002%). This variant has not been reported in the literature in individuals affected with RPGRIP1L-related conditions. ClinVar contains an entry for this variant (Variation ID: 664390). For these reasons, this variant has been classified as Pathogenic.

Blueprint Genetics
Classification: Likely pathogenic for RPGRIP1L-related disorders. Last evaluated: 2018-11-20. Review status: criteria provided, single submitter. Criteria: ACMG Guidelines, 2015. Collection method: clinical testing. Allele origin: germline. Affected: yes. Observed: 1 variant allele.

Literature cited by the submitters: PubMed 17558409 (cited by Labcorp Genetics (formerly Invitae), Labcorp).

NM_015272.5(RPGRIP1L):c.986_987del (p.Lys329fs)

Gene: RPGRIP1L (RPGRIP1 like; minus strand). Cytogenetic location: 16q12.2.
Variant type: Deletion.
Coding change: c.986_987del on transcript NM_015272.5 (MANE Select); coding-DNA positions 986 to 987, 2 bases deleted (AA; older notation c.986_987delAA).
Protein change: p.Lys329fs; shifts the reading frame from lysine 329.
Molecular consequence: frameshift variant.
Genome position (GRCh38, 1-based): chr16:53,672,912-53,672,913, TT deleted on the plus strand (AA on the coding strand, the reverse complement: RPGRIP1L is on the minus strand); deleting any 2 consecutive bases within chr16:53,672,912-53,672,914 gives the same sequence; the c. name uses the placement nearest the transcript's 3' end. VCF-style (leftmost placement, unchanged base first): chr16-53672911-GTT-G. GRCh37 (hg19) VCF-style: chr16-53706823-GTT-G.
Other names: c.986_987del, p.Lys329fs (NM_001127897.4, NM_001308334.3, NM_001330538.2); c.986_987delAA (NM_015272.4); short protein forms K329fs.
Identifiers: ClinVar variation 664390 (VCV000664390.10), dbSNP rs1470967742, ClinGen allele CA622266837.